The following is an entry in ClinVar:

NM_003597.5(KLF11):c.312G>C (p.Leu104=)

Gene: KLF11 (KLF transcription factor 11; plus strand). Cytogenetic location: 2p25.1.
Variant type: single nucleotide variant.
Coding change: c.312G>C on transcript NM_003597.5 (MANE Select); coding-DNA position 312, G replaced by C.
Protein change: p.Leu104=; no amino-acid change (leucine 104 retained).
Molecular consequence: synonymous variant.
Genome position (GRCh38, 1-based): chr2:10,046,419, G>C. VCF-style: chr2-10046419-G-C. GRCh37 (hg19) VCF-style: chr2-10186546-G-C.
Other names: c.261G>C, p.Leu87= (NM_001177716.2, NM_001177718.2).
Identifiers: ClinVar variation 2758044 (VCV002758044.3), dbSNP rs2527705004, ClinGen allele CA424800728.
Genomic context (GRCh38, chr2:10,046,419, plus strand): 5'-TGTGCATATGGATGCAGCCACACCTGAACTACCAAAAGACTTCCATTCTTTATCGACTCT[G>C]GTAAGAGGAGGTGGGAGGGAGGAGCGTTTTTGTGAAATGACTAGAGTAGCTGAACTCAGT-3'
Protein context (NP_003588.1, residues 94-114): LPKDFHSLST[Leu104=]CITPPQSPDL

ClinVar aggregate classification (germline): Uncertain significance (1 of 4 stars; one submission).

Submission:

Labcorp Genetics (formerly Invitae), Labcorp
Classification: Uncertain significance. Last evaluated: 2023-11-13. Review status: criteria provided, single submitter. Criteria: Invitae Variant Classification Sherloc (09022015). Collection method: clinical testing. Allele origin: germline.
Comment: This sequence change affects codon 104 of the KLF11 mRNA. It is a 'silent' change, meaning that it does not change the encoded amino acid sequence of the KLF11 protein. This variant also falls at the last nucleotide of exon 2, which is part of the consensus splice site for this exon. This variant is not present in population databases (gnomAD no frequency). This variant has not been reported in the literature in individuals affected with KLF11-related conditions. Variants that disrupt the consensus splice site are a relatively common cause of aberrant splicing (PMID: 17576681, 9536098). Algorithms developed to predict the effect of sequence changes on RNA splicing suggest that this variant may disrupt the consensus splice site. In summary, the available evidence is currently insufficient to determine the role of this variant in disease. Therefore, it has been classified as a Variant of Uncertain Significance.

Literature cited by the submitters: PubMed 17576681; PubMed 9536098.